The following is an entry in ClinVar:

NM_005726.6(TSFM):c.194A>G (p.Lys65Arg)

Gene: TSFM (Ts translation elongation factor, mitochondrial; plus strand). Cytogenetic location: 12q14.1.
Variant type: single nucleotide variant.
Coding change: c.194A>G on transcript NM_005726.6 (MANE Select); coding-DNA position 194, A replaced by G.
Protein change: p.Lys65Arg; replaces lysine 65 with arginine.
Molecular consequence: missense variant.
Genome position (GRCh38, 1-based): chr12:57,783,246, A>G. VCF-style: chr12-57783246-A-G. GRCh37 (hg19) VCF-style: chr12-58177029-A-G.
Other names: p.Lys65Arg; c.194A>G, p.Lys65Arg (NM_001172695.2, NM_001172696.2, NM_001172697.2); short protein forms K65R.
Identifiers: ClinVar variation 1942467 (VCV001942467.4), dbSNP rs756167082, ClinGen allele CA6659242.

ClinVar aggregate classification (germline): Uncertain significance. Review status: criteria provided, multiple submitters, no conflicts (2 of 4 stars). 3 submissions from 3 submitters: Uncertain significance (3). Last evaluated 2023-03-27.

Conditions:
Inborn genetic diseases. Identifiers: MedGen C0950123, MeSH D030342.

Allele frequency attached by ClinVar (database versions not stated): TOPMed below 0.00001; gnomAD 0.00001; gnomAD exomes 0.00002; ExAC 0.00004.
gnomAD v4.1: 40 of 1,613,890 alleles (0.0025%); highest among the groups gnomAD compares: Middle Eastern, 0.099%; no homozygotes.

Submissions (3):

Mayo Clinic Laboratories, Mayo Clinic
Classification: Uncertain significance. Last evaluated: 2023-03-27. Review status: criteria provided, single submitter. Criteria: ACMG Guidelines, 2015. Collection method: clinical testing. Allele origin: germline. Observed: 1 variant allele.

Labcorp Genetics (formerly Invitae), Labcorp
Classification: Uncertain significance. Last evaluated: 2022-09-01. Review status: criteria provided, single submitter. Criteria: Invitae Variant Classification Sherloc (09022015). Collection method: clinical testing. Allele origin: germline.
Comment: This sequence change replaces lysine, which is basic and polar, with arginine, which is basic and polar, at codon 65 of the TSFM protein (p.Lys65Arg). This variant is present in population databases (rs756167082, gnomAD 0.005%). This variant has not been reported in the literature in individuals affected with TSFM-related conditions. Algorithms developed to predict the effect of missense changes on protein structure and function (SIFT, PolyPhen-2, Align-GVGD) all suggest that this variant is likely to be tolerated. Algorithms developed to predict the effect of sequence changes on RNA splicing suggest that this variant may create or strengthen a splice site. In summary, the available evidence is currently insufficient to determine the role of this variant in disease. Therefore, it has been classified as a Variant of Uncertain Significance.

Ambry Genetics
Classification: Uncertain significance for Inborn genetic diseases. Last evaluated: 2021-01-05. Review status: criteria provided, single submitter. Criteria: Ambry Variant Classification Scheme 2023. Collection method: clinical testing. Allele origin: germline.
Comment: The c.194A>G (p.K65R) alteration is located in exon 2 (coding exon 2) of the TSFM gene. This alteration results from a A to G substitution at nucleotide position 194, causing the lysine (K) at amino acid position 65 to be replaced by an arginine (R). The in silico prediction for the p.K65R alteration is inconclusive. Based on insufficient or conflicting evidence, the clinical significance of this alteration remains unclear.